The following is an entry in ClinVar:

ClinVar aggregate classification (germline): Uncertain significance. Review status: criteria provided, multiple submitters, no conflicts (2 of 4 stars). 4 submissions from 4 submitters: Uncertain significance (4). Last evaluated 2025-04-23.

Conditions:
MYPN-related myopathy (CMYO24). Also called: Nemaline myopathy 11, autosomal recessive. Identifiers: MedGen C4479186, MONDO:0015023, OMIM 617336.
Dilated cardiomyopathy 1KK (CMD1KK). Identifiers: Orphanet 154, Orphanet 75249, MedGen C3714995, MONDO:0014100, OMIM 615248.
Cardiovascular phenotype. Identifiers: MedGen CN230736.

Allele frequency attached by ClinVar (database versions not stated): gnomAD 0.00001; gnomAD exomes 0.00001; ExAC 0.00002.
gnomAD v4.1: 18 of 1,614,070 alleles (0.0011%); highest among the groups gnomAD compares: Non-Finnish European, 0.0015%; no homozygotes.

Submissions (4):

Revvity Omics, Revvity
Classification: Uncertain significance. Last evaluated: 2025-04-23. Review status: criteria provided, single submitter. Criteria: ACMG Guidelines, 2015. Collection method: clinical testing. Allele origin: germline.

Ambry Genetics
Classification: Uncertain significance for Cardiovascular phenotype. Last evaluated: 2024-05-30. Review status: criteria provided, single submitter. Criteria: Ambry Variant Classification Scheme 2023. Collection method: clinical testing. Allele origin: germline.
Comment: The p.S1308L variant (also known as c.3923C>T), located in coding exon 19 of the MYPN gene, results from a C to T substitution at nucleotide position 3923. The serine at codon 1308 is replaced by leucine, an amino acid with dissimilar properties. This amino acid position is conserved. In addition, the in silico prediction for this alteration is inconclusive. Based on the available evidence, the clinical significance of this variant remains unclear.

Labcorp Genetics (formerly Invitae), Labcorp
Classification: Uncertain significance for Dilated cardiomyopathy 1KK. Last evaluated: 2021-11-17. Review status: criteria provided, single submitter. Criteria: Invitae Variant Classification Sherloc (09022015). Collection method: clinical testing. Allele origin: germline.
Comment: This variant has not been reported in the literature in individuals affected with MYPN-related conditions. This sequence change replaces serine, which is neutral and polar, with leucine, which is neutral and non-polar, at codon 1308 of the MYPN protein (p.Ser1308Leu). This variant is present in population databases (rs781048271, gnomAD 0.003%). ClinVar contains an entry for this variant (Variation ID: 1047446). Algorithms developed to predict the effect of missense changes on protein structure and function are either unavailable or do not agree on the potential impact of this missense change (SIFT: "Tolerated"; PolyPhen-2: "Possibly Damaging"; Align-GVGD: "Class C0"). In summary, the available evidence is currently insufficient to determine the role of this variant in disease. Therefore, it has been classified as a Variant of Uncertain Significance.

Fulgent Genetics
Classification: Uncertain significance for Dilated cardiomyopathy 1KK; MYPN-related myopathy. Last evaluated: 2021-08-23. Review status: criteria provided, single submitter. Criteria: ACMG Guidelines, 2015. Collection method: clinical testing. Allele origin: unknown.

NM_032578.4(MYPN):c.3923C>T (p.Ser1308Leu)

Gene: MYPN (myopalladin; plus strand). Cytogenetic location: 10q21.3.
Variant type: single nucleotide variant.
Coding change: c.3923C>T on transcript NM_032578.4 (MANE Select); coding-DNA position 3923, C replaced by T.
Protein change: p.Ser1308Leu; replaces serine 1308 with leucine.
Molecular consequence: missense variant. On other transcripts: non-coding transcript variant (2).
Genome position (GRCh38, 1-based): chr10:68,210,415, C>T. VCF-style: chr10-68210415-C-T. GRCh37 (hg19) VCF-style: chr10-69970172-C-T.
Other names: c.3923C>T, p.Ser1308Leu (NM_001256267.2); c.3041C>T, p.Ser1014Leu (NM_001256268.2); c.3923C>T (NM_032578.2, NM_032578.3); short protein forms S1014L, S1308L.
Identifiers: ClinVar variation 1047446 (VCV001047446.10), dbSNP rs781048271, ClinGen allele CA5523189.
Genomic context (GRCh38, chr10:68,210,415, plus strand): 5'-CCAGTAAAGGACTTGACATATTTTCTGCCTTTTCCTCCATGGAAAGCACGATGGTGTATT[C>T]ATGCTCTTCTCGGAGTGTAGTGGAGAGTGATGAACTTTAAGAATGTCTAGGTACCTGCTG-3'
Protein context (NP_115967.2, residues 1298-1318): FSSMESTMVY[Ser1308Leu]CSSRSVVESD